The following is an entry in ClinVar:

ClinVar aggregate classification (germline): Uncertain significance. Review status: criteria provided, multiple submitters, no conflicts (2 of 4 stars). 3 submissions from 3 submitters: Uncertain significance (3). Last evaluated 2026-01-27.

Submissions (3):

GeneDx
Classification: Uncertain significance. Last evaluated: 2026-01-27. Review status: criteria provided, single submitter. Criteria: GeneDx Variant Classification Process June 2021. Collection method: clinical testing. Allele origin: germline.
Comment: Not observed at significant frequency in large population cohorts (gnomAD); In silico analysis suggests that this missense variant does not alter protein structure/function; Has not been previously published as pathogenic or benign to our knowledge

Labcorp Genetics (formerly Invitae), Labcorp
Classification: Uncertain significance. Last evaluated: 2024-11-27. Review status: criteria provided, single submitter. Criteria: Invitae Variant Classification Sherloc (09022015). Collection method: clinical testing. Allele origin: germline.
Comment: This sequence change replaces histidine, which is basic and polar, with tyrosine, which is neutral and polar, at codon 677 of the VPS13A protein (p.His677Tyr). This variant is present in population databases (rs376001373, gnomAD 0.004%). This variant has not been reported in the literature in individuals affected with VPS13A-related conditions. Invitae Evidence Modeling of protein sequence and biophysical properties (such as structural, functional, and spatial information, amino acid conservation, physicochemical variation, residue mobility, and thermodynamic stability) indicates that this missense variant is not expected to disrupt VPS13A protein function with a negative predictive value of 80%. In summary, the available evidence is currently insufficient to determine the role of this variant in disease. Therefore, it has been classified as a Variant of Uncertain Significance.

Blueprint Genetics
Classification: Uncertain significance. Last evaluated: 2023-12-08. Review status: criteria provided, single submitter. Criteria: ACMG Guidelines, 2015. Collection method: clinical testing. Allele origin: germline.

NM_033305.3(VPS13A):c.2029C>T (p.His677Tyr)

Gene: VPS13A (vacuolar protein sorting 13 homolog A; plus strand). Cytogenetic location: 9q21.2.
Variant type: single nucleotide variant.
Coding change: c.2029C>T on transcript NM_033305.3 (MANE Select); coding-DNA position 2029, C replaced by T.
Protein change: p.His677Tyr; replaces histidine 677 with tyrosine.
Molecular consequence: missense variant.
Genome position (GRCh38, 1-based): chr9:77,247,387, C>T. VCF-style: chr9-77247387-C-T. GRCh37 (hg19) VCF-style: chr9-79862303-C-T.
Other names: c.2029C>T, p.His677Tyr (NM_001018037.2, NM_001018038.3, NM_015186.4); c.2029C>T (NM_033305.2); short protein forms H677Y.
Identifiers: ClinVar variation 3706164 (VCV003706164.2).